The following is an entry in ClinVar:

ClinVar aggregate classification (germline): Uncertain significance (1 of 4 stars; one submission).

Conditions:
Distal hereditary motor neuropathy type 2. Identifiers: Orphanet 139525, MedGen C3711384, MeSH C580044, MONDO:0015352.

Submission:

Labcorp Genetics (formerly Invitae), Labcorp
Classification: Uncertain significance for Distal hereditary motor neuropathy type 2. Last evaluated: 2023-05-25. Review status: criteria provided, single submitter. Criteria: Invitae Variant Classification Sherloc (09022015). Collection method: clinical testing. Allele origin: germline.
Comment: In summary, the available evidence is currently insufficient to determine the role of this variant in disease. Therefore, it has been classified as a Variant of Uncertain Significance. Advanced modeling of protein sequence and biophysical properties (such as structural, functional, and spatial information, amino acid conservation, physicochemical variation, residue mobility, and thermodynamic stability) performed at Invitae indicates that this missense variant is not expected to disrupt FBXO38 protein function. This variant has not been reported in the literature in individuals affected with FBXO38-related conditions. This variant is not present in population databases (gnomAD no frequency). This sequence change replaces isoleucine, which is neutral and non-polar, with valine, which is neutral and non-polar, at codon 407 of the FBXO38 protein (p.Ile407Val).

NM_205836.3(FBXO38):c.1219A>G (p.Ile407Val)

Gene: FBXO38 (F-box protein 38; plus strand). Cytogenetic location: 5q32.
Variant type: single nucleotide variant.
Coding change: c.1219A>G on transcript NM_205836.3 (MANE Select); coding-DNA position 1219, A replaced by G.
Protein change: p.Ile407Val; replaces isoleucine 407 with valine.
Molecular consequence: missense variant.
Genome position (GRCh38, 1-based): chr5:148,414,261, A>G. VCF-style: chr5-148414261-A-G. GRCh37 (hg19) VCF-style: chr5-147793824-A-G.
Other names: c.1219A>G, p.Ile407Val (NM_001271723.2, NM_030793.5); short protein forms I407V.
Identifiers: ClinVar variation 2997052 (VCV002997052.3), dbSNP rs2531755449, ClinGen allele CA361658833.